The following is an entry in ClinVar:

NM_001161352.2(KCNMA1):c.1070A>G (p.Asp357Gly)

Gene: KCNMA1 (potassium calcium-activated channel subfamily M alpha 1; minus strand). Cytogenetic location: 10q22.3.
Variant type: single nucleotide variant.
Coding change: c.1070A>G on transcript NM_001161352.2 (MANE Select); coding-DNA position 1070, A replaced by G.
Protein change: p.Asp357Gly; replaces aspartic acid 357 with glycine.
Molecular consequence: missense variant.
Genome position (GRCh38, 1-based): chr10:77,110,234, T>C on the plus strand (A>G on the coding strand, the complement: KCNMA1 is on the minus strand). VCF-style: chr10-77110234-T-C. GRCh37 (hg19) VCF-style: chr10-78869992-T-C.
Other names: c.1070A>G, p.Asp357Gly (NM_001014797.3, NM_001161353.2, NM_001271519.2 and 8 more transcripts); c.908A>G, p.Asp303Gly (NM_001271518.2); c.530A>G, p.Asp177Gly (NM_001322838.2); short protein forms D177G, D303G, D357G.
Identifiers: ClinVar variation 4041763 (VCV004041763.2).

ClinVar aggregate classification (germline): Likely pathogenic (1 of 4 stars; one submission).

Conditions:
Inborn genetic diseases. Identifiers: MedGen C0950123, MeSH D030342.

Submission:

Ambry Genetics
Classification: Likely pathogenic for Inborn genetic diseases. Last evaluated: 2025-08-08. Review status: criteria provided, single submitter. Criteria: Ambry Variant Classification Scheme 2023. Collection method: clinical testing. Allele origin: germline.
Comment: The c.1070A>G (p.D357G) alteration is located in exon 8 (coding exon 8) of the KCNMA1 gene. This alteration results from an A to G substitution at nucleotide position 1070, causing the aspartic acid (D) at amino acid position 357 to be replaced by a glycine (G). for KCNMA1-related neurological disorder; however, its clinical significance for KCNMA1-related neurodevelopmental disorder is uncertain. This variant was not reported in population-based cohorts in the Genome Aggregation Database (gnomAD). This amino acid position is highly conserved in available vertebrate species. This missense alteration is located in a region that has a low rate of benign missense variation (Lek, 2016; Firth, 2009). This alteration is predicted to be deleterious by in silico analysis. Based on the available evidence, this alteration is classified as likely pathogenic.